The following continues an entry in ClinVar:

NM_001267550.2(TTN):c.70696G>C (p.Gly23566Arg)

ClinVar aggregate classification (germline): Benign/Likely benign. Benign (18); Likely benign (5).

Submissions 21 to 30 of 30:

Biesecker Lab/Clinical Genomics Section, National Institutes of Health
Classification: Benign. Last evaluated: 2013-06-24. Review status: criteria provided, single submitter. Criteria: Ng et al. (Circ Cardiovasc Genet. 2013). Collection method: research. Allele origin: unknown. Observed: 11 variant alleles. Study: ClinSeq.
Comment: The study set was not selected for affection status in relation to any cancer. Pathogenicity categories were based on literature curation. See Pubmed ID:23861362 for details.

Medical sequencing

Ambry Genetics
Classification: Benign for Cardiovascular phenotype. Last evaluated: 2013-01-16. Review status: criteria provided, single submitter. Criteria: Ambry Autosomal Dominant and X-Linked criteria (10/2015). Collection method: clinical testing. Allele origin: germline. Observed: 1 variant allele.

Laboratory for Molecular Medicine, Mass General Brigham Personalized Medicine
Classification: Benign. Last evaluated: 2012-06-11. Review status: criteria provided, single submitter. Criteria: LMM Criteria. Collection method: clinical testing. Allele origin: germline. Observed: 40 variant alleles.
Comment: Gly20998Arg in Exon 275 of TTN: This variant is not expected to have clinical si gnificance because it has been identified in 1.5% (102/6822) of European America n chromosomes from a broad population by the NHLBI Exome Sequencing Project (dbSNP rs55801134).

PreventionGenetics, part of Exact Sciences
Classification: Benign for TTN-related condition. Last evaluated: 2019-06-13. Review status: no assertion criteria provided. Collection method: clinical testing. Allele origin: germline. Not counted in ClinVar's aggregate classification.
Comment: This variant is classified as benign based on ACMG/AMP sequence variant interpretation guidelines (Richards et al. 2015 PMID: 25741868, with internal and published modifications).

Clinical Genetics DNA and cytogenetics Diagnostics Lab, Erasmus MC, Erasmus Medical Center
Classification: Benign. Review status: no assertion criteria provided. Collection method: clinical testing. Allele origin: germline. Affected: yes. Study: VKGL Data-share Consensus. Not counted in ClinVar's aggregate classification.

Clinical Genetics, Academic Medical Center
Classification: Benign. Review status: no assertion criteria provided. Collection method: clinical testing. Allele origin: germline. Affected: yes. Study: VKGL Data-share Consensus. Not counted in ClinVar's aggregate classification.

Diagnostic Laboratory, Department of Genetics, University Medical Center Groningen
Classification: Likely benign. Review status: no assertion criteria provided. Collection method: clinical testing. Allele origin: germline. Affected: yes. Study: VKGL Data-share Consensus. Not counted in ClinVar's aggregate classification.

Genetic Services Laboratory, University of Chicago
Classification: Likely benign for AllHighlyPenetrant. Review status: no assertion criteria provided. Collection method: clinical testing. Allele origin: germline. Not counted in ClinVar's aggregate classification.
Comment: Likely benign based on allele frequency in 1000 Genomes Project or ESP global frequency and its presence in a patient with a rare or unrelated disease phenotype. NOT Sanger confirmed.

Genome Diagnostics Laboratory, University Medical Center Utrecht
Classification: Benign. Review status: no assertion criteria provided. Collection method: clinical testing. Allele origin: germline. Affected: yes. Study: VKGL Data-share Consensus. Not counted in ClinVar's aggregate classification.

Laboratory of Diagnostic Genome Analysis, Leiden University Medical Center (LUMC)
Classification: Likely benign. Review status: no assertion criteria provided. Collection method: clinical testing. Allele origin: germline. Affected: yes. Study: VKGL Data-share Consensus. Not counted in ClinVar's aggregate classification.

Literature cited by the submitters: PubMed 31660661 (cited by Athena Diagnostics).